The following is an entry in ClinVar:

NM_138927.4(SON):c.1100C>T (p.Thr367Ile)

Gene: SON (SON DNA and RNA binding protein; plus strand). Cytogenetic location: 21q22.11.
Variant type: single nucleotide variant.
Coding change: c.1100C>T on transcript NM_138927.4 (MANE Select); coding-DNA position 1100, C replaced by T.
Protein change: p.Thr367Ile; replaces threonine 367 with isoleucine.
Molecular consequence: missense variant. On other transcripts: non-coding transcript variant (1), intron variant (1).
Genome position (GRCh38, 1-based): chr21:33,550,331, C>T. VCF-style: chr21-33550331-C-T. GRCh37 (hg19) VCF-style: chr21-34922637-C-T.
Other names: c.1100C>T, p.Thr367Ile (NM_001291411.2, NM_032195.3); c.244+3952C>T (NM_001291412.3); short protein forms T367I.
Identifiers: ClinVar variation 3610714 (VCV003610714.2).

ClinVar aggregate classification (germline): Uncertain significance (1 of 4 stars; one submission).

Submission:

Labcorp Genetics (formerly Invitae), Labcorp
Classification: Uncertain significance. Last evaluated: 2024-06-03. Review status: criteria provided, single submitter. Criteria: Invitae Variant Classification Sherloc (09022015). Collection method: clinical testing. Allele origin: germline.
Comment: This sequence change replaces threonine, which is neutral and polar, with isoleucine, which is neutral and non-polar, at codon 367 of the SON protein (p.Thr367Ile). This variant is not present in population databases (gnomAD no frequency). This variant has not been reported in the literature in individuals affected with SON-related conditions. An algorithm developed to predict the effect of missense changes on protein structure and function (PolyPhen-2) suggests that this variant is likely to be disruptive. In summary, the available evidence is currently insufficient to determine the role of this variant in disease. Therefore, it has been classified as a Variant of Uncertain Significance.